The following is an entry in ClinVar:

ClinVar aggregate classification (germline): Uncertain significance. Review status: criteria provided, multiple submitters, no conflicts (2 of 4 stars). 3 submissions from 3 submitters: Uncertain significance (3). Last evaluated 2025-11-05.

Conditions:
RYR1-related disorder. Also called: RYR1-related disorders; RYR1-related condition. Identifiers: MedGen CN239331.
Malignant hyperthermia, susceptibility to, 1 (MHS1). Also called: Malignant hyperthermia suceptibility 1; RYR1-Related Malignant Hyperthermia Susceptibility; Anesthesia related hyperthermia; Malignant hyperpyrexia; Fulminating hyperpyrexia; Pharmacogenic myopathy. Identifiers: Orphanet 423, MedGen C2930980, MONDO:0007783, OMIM 145600.

Allele frequency attached by ClinVar (database versions not stated): gnomAD exomes below 0.00001 and 0.00003; gnomAD 0.00001; TOPMed 0.00002.
gnomAD v4.1: 45 of 1,613,928 alleles (0.0028%); highest among the groups gnomAD compares: Non-Finnish European, 0.0034%; no homozygotes.

Submissions (3):

Labcorp Genetics (formerly Invitae), Labcorp
Classification: Uncertain significance for RYR1-related disorder. Last evaluated: 2025-11-05. Review status: criteria provided, single submitter. Criteria: Invitae Variant Classification Sherloc (09022015). Collection method: clinical testing. Allele origin: germline.
Comment: This sequence change replaces methionine, which is neutral and non-polar, with valine, which is neutral and non-polar, at codon 2203 of the RYR1 protein (p.Met2203Val). This variant is present in population databases (rs200203904, gnomAD 0.0009%). This variant has not been reported in the literature in individuals affected with RYR1-related conditions. ClinVar contains an entry for this variant (Variation ID: 224386). Invitae Evidence Modeling of protein sequence and biophysical properties (such as structural, functional, and spatial information, amino acid conservation, physicochemical variation, residue mobility, and thermodynamic stability) indicates that this missense variant is not expected to disrupt RYR1 protein function with a negative predictive value of 80%. In summary, the available evidence is currently insufficient to determine the role of this variant in disease. Therefore, it has been classified as a Variant of Uncertain Significance.

Color Diagnostics, LLC DBA Color Health
Classification: Uncertain significance for Malignant hyperthermia, susceptibility to, 1. Last evaluated: 2024-04-05. Review status: criteria provided, single submitter. Criteria: ACMG Guidelines, 2015. Collection method: clinical testing. Allele origin: germline.
Comment: This missense variant replaces methionine with valine at codon 2203 of the RYR1 protein. Computational prediction is inconclusive regarding the impact of this variant on protein structure and function. To our knowledge, functional studies have not been reported for this variant. This variant has not been reported in individuals affected with RYR1-related disorders in the literature. This variant has been identified in 1/251254 chromosomes in the general population by the Genome Aggregation Database (gnomAD). The available evidence is insufficient to determine the role of this variant in disease conclusively. Therefore, this variant is classified as a Variant of Uncertain Significance.

Biesecker Lab/Clinical Genomics Section, National Institutes of Health
Classification: Uncertain significance for Malignant hyperthermia, susceptibility to, 1. Last evaluated: 2013-07-01. Review status: criteria provided, single submitter. Criteria: Gonsalves et al. 2013. Collection method: research. Allele origin: unknown. Observed: 1 variant allele. Study: ClinSeq.
Comment: The study set was not selected for affection status in relation to any myopathy. Pathogenicity categories were based on literature curation. See Pubmed ID: 24195946 for details.

NM_000540.3(RYR1):c.6607A>G (p.Met2203Val)

Gene: RYR1 (ryanodine receptor 1; plus strand). Cytogenetic location: 19q13.2.
Variant type: single nucleotide variant.
Coding change: c.6607A>G on transcript NM_000540.3 (MANE Select); coding-DNA position 6607, A replaced by G.
Protein change: p.Met2203Val; replaces methionine 2203 with valine.
Molecular consequence: missense variant.
Genome position (GRCh38, 1-based): chr19:38,496,273, A>G. VCF-style: chr19-38496273-A-G. GRCh37 (hg19) VCF-style: chr19-38986913-A-G.
Other names: c.6607A>G, p.Met2203Val (NM_001042723.2); short protein forms M2203V.
Identifiers: ClinVar variation 224386 (VCV000224386.5), dbSNP rs200203904, ClinGen allele CA212055.